The following is an entry in ClinVar:

NM_152703.5(SAMD9L):c.3527A>C (p.Glu1176Ala)

Gene: SAMD9L (sterile alpha motif domain containing 9 like; minus strand). Cytogenetic location: 7q21.2.
Variant type: single nucleotide variant.
Coding change: c.3527A>C on transcript NM_152703.5 (MANE Select); coding-DNA position 3527, A replaced by C.
Protein change: p.Glu1176Ala; replaces glutamic acid 1176 with alanine.
Molecular consequence: missense variant.
Genome position (GRCh38, 1-based): chr7:93,132,445, T>G on the plus strand (A>C on the coding strand, the complement: SAMD9L is on the minus strand). VCF-style: chr7-93132445-T-G. GRCh37 (hg19) VCF-style: chr7-92761758-T-G.
Other names: c.3527A>C, p.Glu1176Ala (NM_001303496.3, NM_001303497.3, NM_001303498.3 and 5 more transcripts); short protein forms E1176A.
Identifiers: ClinVar variation 4159326 (VCV004159326.1).

ClinVar aggregate classification (germline): Uncertain significance (1 of 4 stars; one submission).

Conditions:
Inborn genetic diseases. Identifiers: MedGen C0950123, MeSH D030342.

gnomAD v4.1: 1 of 1,613,614 alleles (0.000062%); highest among the groups gnomAD compares: Non-Finnish European, 0.000085%; no homozygotes.

Submission:

Ambry Genetics
Classification: Uncertain significance for Inborn genetic diseases. Last evaluated: 2025-07-12. Review status: criteria provided, single submitter. Criteria: Ambry Variant Classification Scheme 2023. Collection method: clinical testing. Allele origin: germline.
Comment: The p.E1176A variant (also known as c.3527A>C), located in coding exon 1 of the SAMD9L gene, results from an A to C substitution at nucleotide position 3527. The glutamic acid at codon 1176 is replaced by alanine, an amino acid with dissimilar properties. This amino acid position is conserved. In addition, this alteration is predicted to be tolerated by in silico analysis. Based on the available evidence, the clinical significance of this variant remains unclear.